The following is an entry in ClinVar:

ClinVar aggregate classification (germline): Uncertain significance (1 of 4 stars; one submission).

Conditions:
Cystic fibrosis (CF). Also called: MUCOVISCIDOSIS. Identifiers: Orphanet 586, MedGen C0010674, MONDO:0009061, OMIM 219700. Disease mechanism: loss of function.

Submission:

Ambry Genetics
Classification: Uncertain significance for Cystic fibrosis. Last evaluated: 2025-01-16. Review status: criteria provided, single submitter. Criteria: Ambry Variant Classification Scheme 2023. Collection method: clinical testing. Allele origin: germline.
Comment: The p.H775L variant (also known as c.2324A>T), located in coding exon 14 of the CFTR gene, results from an A to T substitution at nucleotide position 2324. The histidine at codon 775 is replaced by leucine, an amino acid with similar properties. This amino acid position is conserved. In addition, the in silico prediction for this alteration is inconclusive. Based on the available evidence, the clinical significance of this variant remains unclear.

NM_000492.4(CFTR):c.2324A>T (p.His775Leu)

Gene: CFTR (CF transmembrane conductance regulator; plus strand). Cytogenetic location: 7q31.2.
Variant type: single nucleotide variant.
Coding change: c.2324A>T on transcript NM_000492.4 (MANE Select); coding-DNA position 2324, A replaced by T.
Protein change: p.His775Leu; replaces histidine 775 with leucine.
Molecular consequence: missense variant.
Genome position (GRCh38, 1-based): chr7:117,592,491, A>T. VCF-style: chr7-117592491-A-T. GRCh37 (hg19) VCF-style: chr7-117232545-A-T.
Other names: short protein forms H775L.
Identifiers: ClinVar variation 3832576 (VCV003832576.1).